The following is an entry in ClinVar:

ClinVar aggregate classification (germline): Conflicting classifications of pathogenicity. Review status: criteria provided, conflicting classifications (1 of 4 stars). 19 submissions from 19 submitters: Uncertain significance (1); Benign (8); Likely benign (7). 3 of the submissions do not count toward it. Last evaluated 2026-03-01.

Conditions:
APC-Associated Polyposis Disorders.
Hereditary cancer-predisposing syndrome. Also called: Tumor predisposition; Neoplastic Syndromes, Hereditary; Hereditary Cancer Syndrome; Hereditary neoplastic syndrome. Identifiers: Orphanet 140162, MedGen C0027672, MeSH D009386, MONDO:0015356.
Familial adenomatous polyposis 1 (FAP1). Also called: POLYPOSIS, ADENOMATOUS INTESTINAL; FAMILIAL ADENOMATOUS POLYPOSIS 1, ATTENUATED. Identifiers: MedGen C2713442, MONDO:0021056, OMIM 175100. Disease mechanism: loss of function.
Carcinoma of colon (CRC). Also called: Colon carcinoma; Colonic carcinoma. Identifiers: MedGen C0699790, MONDO:0002032.

Allele frequency attached by ClinVar (database versions not stated): gnomAD 0.00023 and 0.00022; gnomAD exomes 0.00025 and 0.00017; TOPMed 0.00026; ESP Exome Variant Server 0.00008; 1000 Genomes Project 30x 0.00016; 1000 Genomes Project 0.00020; ExAC 0.00020.
gnomAD v4.1: 300 of 1,610,998 alleles (0.019%); highest among the groups gnomAD compares: Admixed American, 0.032%; no homozygotes.

Submissions (19):

CeGaT Center for Human Genetics Tuebingen
Classification: Likely benign. Last evaluated: 2026-03-01. Review status: criteria provided, single submitter. Criteria: CeGaT Center For Human Genetics Tuebingen Variant Classification Criteria Version 2. Collection method: clinical testing. Allele origin: germline. Affected: yes. Observed: 13 variant alleles.
Comment: APC: BP4, BP7

Labcorp Genetics (formerly Invitae), Labcorp
Classification: Benign for Familial adenomatous polyposis 1. Last evaluated: 2026-01-28. Review status: criteria provided, single submitter. Criteria: Invitae Variant Classification Sherloc (09022015). Collection method: clinical testing. Allele origin: germline.

Quest Diagnostics Nichols Institute San Juan Capistrano
Classification: Benign. Last evaluated: 2025-10-16. Review status: criteria provided, single submitter. Criteria: Quest Diagnostics criteria. Collection method: clinical testing. Allele origin: unknown.

Center for Genomic Medicine, Rigshospitalet, Copenhagen University Hospital
Classification: Likely benign. Last evaluated: 2025-03-04. Review status: criteria provided, single submitter. Criteria: ACMG Guidelines, 2015. Collection method: clinical testing. Allele origin: germline.

KCCC/NGS Laboratory, Kuwait Cancer Control Center
Classification: Benign for Familial adenomatous polyposis 1. Last evaluated: 2025-02-01. Review status: criteria provided, single submitter. Criteria: ACMG Guidelines, 2015. Collection method: clinical testing. Allele origin: germline. Affected: no.

Blueprint Genetics
Classification: Likely benign. Last evaluated: 2024-10-28. Review status: criteria provided, single submitter. Criteria: ACMG Guidelines, 2015. Collection method: clinical testing. Allele origin: germline.

Myriad Genetics, Inc.
Classification: Benign for Familial adenomatous polyposis 1. Last evaluated: 2024-04-05. Review status: criteria provided, single submitter. Criteria: Myriad Autosomal Dominant, Autosomal Recessive and X-Linked Classification Criteria (2023). Collection method: clinical testing. Allele origin: unknown.
Comment: This variant is considered benign. This variant is a silent/synonymous amino acid change and it is not expected to impact splicing.

Institute for Biomarker Research, Medical Diagnostic Laboratories, L.L.C.
Classification: Benign for Hereditary cancer-predisposing syndrome. Last evaluated: 2024-02-20. Review status: criteria provided, single submitter. Criteria: ACMG Guidelines, 2015. Collection method: clinical testing. Allele origin: germline.

ARUP Laboratories, Molecular Genetics and Genomics, ARUP Laboratories
Classification: Benign. Last evaluated: 2024-01-05. Review status: criteria provided, single submitter. Criteria: ARUP Molecular Germline Variant Investigation Process 2024. Collection method: clinical testing. Allele origin: germline.

Sema4
Classification: Likely benign for Hereditary cancer-predisposing syndrome. Last evaluated: 2021-06-17. Review status: criteria provided, single submitter. Criteria: Sema4 Curation Guidelines. Collection method: curation. Allele origin: germline.

Illumina Laboratory Services, Illumina
Classification: Uncertain significance for APC-Associated Polyposis Disorders. Last evaluated: 2018-01-13. Review status: criteria provided, single submitter. Criteria: ICSL Variant Classification Criteria 13 December 2019. Collection method: clinical testing. Allele origin: germline.

PreventionGenetics, part of Exact Sciences
Classification: Likely benign. Last evaluated: 2016-07-08. Review status: criteria provided, single submitter. Criteria: ACMG Guidelines, 2015. Collection method: clinical testing. Allele origin: germline.

Color Diagnostics, LLC DBA Color Health
Classification: Likely benign for Hereditary cancer-predisposing syndrome. Last evaluated: 2016-06-16. Review status: criteria provided, single submitter. Criteria: ACMG Guidelines, 2015. Collection method: clinical testing. Allele origin: germline.

Women's Health and Genetics/Laboratory Corporation of America, LabCorp
Classification: Benign. Last evaluated: 2016-05-09. Review status: criteria provided, single submitter. Criteria: LabCorp Variant Classification Summary - May 2015. Collection method: clinical testing. Allele origin: germline.
Comment: Variant summary: The APC c.6526T>C (p.Leu2176Leu) variant involves the alteration of a non-conserved nucleotide, resulting in a synonymous change. Mutation taster predicts a damaging outcome for this variant. This variant was found in 24/119852 control chromosomes, predominantly observed in the Latino subpopulation at a frequency of 0.0005199 (6/11540). This frequency is about 9 times the estimated maximal expected allele frequency of a pathogenic APC variant (0.0000602), suggesting this is likely a benign polymorphism found primarily in the populations of Latino origin. The variant of interest has not, to our knowledge, been reported in affected individuals via publications nor evaluated for functional impact by in vivo/vitro studies. Clinical diagnostic laboratories classified this variant as Benign/Likely Benign. Taken together, this variant is classified as Benign.

Ambry Genetics
Classification: Likely benign for Hereditary cancer-predisposing syndrome. Last evaluated: 2014-09-09. Review status: criteria provided, single submitter. Criteria: Ambry Variant Classification Scheme 2023. Collection method: clinical testing. Allele origin: germline.

GeneDx
Classification: Benign. Last evaluated: 2014-07-02. Review status: criteria provided, single submitter. Criteria: GeneDx Variant Classification (06012015). Collection method: clinical testing. Allele origin: germline. Affected: yes.
Comment: This variant is considered likely benign or benign based on one or more of the following criteria: it is a conservative change, it occurs at a poorly conserved position in the protein, it is predicted to be benign by multiple in silico algorithms, and/or has population frequency not consistent with disease.

Department of Pathology and Laboratory Medicine, Sinai Health System
Classification: Likely benign for Carcinoma of colon. Review status: no assertion criteria provided. Collection method: clinical testing. Allele origin: unknown. Affected: yes. Study: The Canadian Open Genetics Repository (COGR). Not counted in ClinVar's aggregate classification.
Comment: The APC p.Leu2176= variant was not identified in the literature nor was it identified in the GeneInsight, Cosmic, UMD and Zhejiang Colon Cancer databases. The variant was identified in dbSNP (ID: rs183468041) â€šÃ„ÃºWith unknown alleleâ€šÃ„Ã¹, with a minor allele frequency of 0.0002 (1 of 5000 chromosomes in 1000 Genomes Project). In the NHLBI Exome Sequencing Project (Exome Variant Server), the variant was identified in 1 of 8590 European American chromosomes and was not found in 4390 African American chromosomes. In Exome Aggregation Consortium (ExAC) database, the variant was identified in 17 of 6605 European (Non-Finnish), 6 of 11540 Latinos and 1 of 9654 Africans, increasing the likelihood this could be a low frequency benign variant in certain populations of origin. The variant was identified in Clinvitae (1x as variant of unknown significance), LOVD (1x as no known pathogenicity) and InSiGHT Colon Cancer Database. In the ClinVar database the variant was reported as benign by GeneDX and as likely benign by Ambry Genetics. The p.Leu2176= variant is not expected to have clinical significance because it does not result in a change of amino acid and is not located in a known consensus splice site. In addition, in silico or computational prediction software programs (SpliceSiteFinder, MaxEntScan, NNSPLICE, GeneSplicer, HumanSpliceFinder) do not predict a difference in splicing. In summary, based on the above information, the clinical significance of this variant cannot be determined with certainty at this time although we would lean towards a more benign role for this variant. This variant is classified as likely benign.

Genome Diagnostics Laboratory, Amsterdam University Medical Center
Classification: Likely benign. Review status: no assertion criteria provided. Collection method: clinical testing. Allele origin: germline. Affected: yes. Study: VKGL Data-share Consensus. Not counted in ClinVar's aggregate classification.

Joint Genome Diagnostic Labs from Nijmegen and Maastricht, Radboudumc and MUMC+
Classification: Likely benign. Review status: no assertion criteria provided. Collection method: clinical testing. Allele origin: germline. Affected: yes. Study: VKGL Data-share Consensus. Not counted in ClinVar's aggregate classification.

NM_000038.6(APC):c.6526T>C (p.Leu2176=)

Gene: APC (APC regulator of Wnt signaling pathway; plus strand). Cytogenetic location: 5q22.2.
Variant type: single nucleotide variant.
Coding change: c.6526T>C on transcript NM_000038.6 (MANE Select); coding-DNA position 6526, T replaced by C.
Protein change: p.Leu2176=; no amino-acid change (leucine 2176 retained).
Molecular consequence: synonymous variant.
Genome position (GRCh38, 1-based): chr5:112,842,120, T>C. VCF-style: chr5-112842120-T-C. GRCh37 (hg19) VCF-style: chr5-112177817-T-C.
Other names: p.L2176L:TTG>CTG; c.6526T>C, p.Leu2176= (NM_001127510.3, NM_001354895.2); c.6472T>C, p.Leu2158= (NM_001127511.3); c.6580T>C, p.Leu2194= (NM_001354896.2); c.6556T>C, p.Leu2186= (NM_001354897.2); c.6451T>C, p.Leu2151= (NM_001354898.2); c.6442T>C, p.Leu2148= (NM_001354899.2); c.6403T>C, p.Leu2135= (NM_001354900.2); and 6 more.
Identifiers: ClinVar variation 181779 (VCV000181779.80), dbSNP rs183468041, ClinGen allele CA012274.